The following is an entry in ClinVar:

NM_007194.4(CHEK2):c.340T>C (p.Trp114Arg)

Gene: CHEK2 (checkpoint kinase 2; minus strand). Cytogenetic location: 22q12.1.
Variant type: single nucleotide variant.
Coding change: c.340T>C on transcript NM_007194.4 (MANE Select); coding-DNA position 340, T replaced by C.
Protein change: p.Trp114Arg; replaces tryptophan 114 with arginine.
Molecular consequence: missense variant.
Genome position (GRCh38, 1-based): chr22:28,725,347, A>G on the plus strand (T>C on the coding strand, the complement: CHEK2 is on the minus strand). VCF-style: chr22-28725347-A-G. GRCh37 (hg19) VCF-style: chr22-29121335-A-G.
Other names: c.469T>C, p.Trp157Arg (NM_001005735.3); c.-438T>C (NM_001257387.3); c.340T>C, p.Trp114Arg (NM_001349956.3, NM_145862.3); short protein forms W114R, W157R.
Identifiers: ClinVar variation 961512 (VCV000961512.13), dbSNP rs1555927378, ClinGen allele CA411108227.

ClinVar aggregate classification (germline): Uncertain significance. Review status: criteria provided, multiple submitters, no conflicts (2 of 4 stars). 2 submissions from 2 submitters: Uncertain significance (2). Last evaluated 2025-10-27.

Conditions:
Hereditary cancer-predisposing syndrome. Also called: Tumor predisposition; Hereditary neoplastic syndrome; Hereditary Cancer Syndrome; Neoplastic Syndromes, Hereditary. Identifiers: Orphanet 140162, MedGen C0027672, MeSH D009386, MONDO:0015356.
Familial cancer of breast. Also called: BREAST CANCER, FAMILIAL; Hereditary breast cancer; hereditary breast carcinoma. Identifiers: Orphanet 227535, MedGen C0346153, MONDO:0016419, OMIM 114480. Disease mechanism: loss of function.

Allele frequency attached by ClinVar (database versions not stated): gnomAD exomes below 0.00001.
gnomAD v4.1: 2 of 1,614,120 alleles (0.00012%); highest among the groups gnomAD compares: South Asian, 0.0022%; no homozygotes.

Submissions (2):

Ambry Genetics
Classification: Uncertain significance for Hereditary cancer-predisposing syndrome. Last evaluated: 2025-10-27. Review status: criteria provided, single submitter. Criteria: Ambry Variant Classification Scheme 2023. Collection method: clinical testing. Allele origin: germline.
Comment: The p.W114R variant (also known as c.340T>C), located in coding exon 2 of the CHEK2 gene, results from a T to C substitution at nucleotide position 340. The tryptophan at codon 114 is replaced by arginine, an amino acid with dissimilar properties. This amino acid position is well conserved in available vertebrate species. In addition, this alteration is predicted to be deleterious by in silico analysis. Since supporting evidence is limited at this time, the clinical significance of this alteration remains unclear.

Labcorp Genetics (formerly Invitae), Labcorp
Classification: Uncertain significance for Familial cancer of breast. Last evaluated: 2025-01-26. Review status: criteria provided, single submitter. Criteria: Invitae Variant Classification Sherloc (09022015). Collection method: clinical testing. Allele origin: germline.
Comment: This sequence change replaces tryptophan, which is neutral and slightly polar, with arginine, which is basic and polar, at codon 114 of the CHEK2 protein (p.Trp114Arg). This variant is not present in population databases (gnomAD no frequency). This variant has not been reported in the literature in individuals affected with CHEK2-related conditions. ClinVar contains an entry for this variant (Variation ID: 961512). An algorithm developed to predict the effect of missense changes on protein structure and function (PolyPhen-2) suggests that this variant is likely to be tolerated. In summary, the available evidence is currently insufficient to determine the role of this variant in disease. Therefore, it has been classified as a Variant of Uncertain Significance.